The following is an entry in ClinVar:

ClinVar aggregate classification (germline): Likely pathogenic (1 of 4 stars; one submission).

Conditions:
Alstrom syndrome (ALMS). Identifiers: Orphanet 64, MedGen C0268425, MONDO:0008763, OMIM 203800.

Submission:

Myriad Genetics, Inc.
Classification: Likely pathogenic for Alstrom syndrome. Last evaluated: 2022-03-15. Review status: criteria provided, single submitter. Criteria: Myriad Women's Health Autosomal Recessive and X-Linked Classification Criteria (2021). Collection method: clinical testing. Allele origin: unknown.
Comment: NM_015120.4(ALMS1):c.3781G>T(E1261*) is expected to be pathogenic in the context of Alstrom syndrome. This variant is predicted to lead to an abnormal or absent protein product due to the creation of a premature termination codon in ALMS1, a gene where loss-of-function variants are known to be pathogenic. Please note: this variant was assessed in the context of healthy population screening.

NM_001378454.1(ALMS1):c.3778G>T (p.Glu1260Ter)

Gene: ALMS1 (ALMS1 centrosome and basal body associated protein; plus strand). Cytogenetic location: 2p13.1.
Variant type: single nucleotide variant.
Coding change: c.3778G>T on transcript NM_001378454.1 (MANE Select); coding-DNA position 3778, G replaced by T.
Protein change: p.Glu1260Ter; replaces glutamic acid 1260 with a stop codon.
Molecular consequence: nonsense.
Genome position (GRCh38, 1-based): chr2:73,450,305, G>T. VCF-style: chr2-73450305-G-T. GRCh37 (hg19) VCF-style: chr2-73677432-G-T.
Other names: c.3781G>T, p.Glu1261Ter (NM_015120.4); short protein forms E1260*, E1261*.
Identifiers: ClinVar variation 1725304 (VCV001725304.2), dbSNP rs2466099392, ClinGen allele CA347276646.